The following is an entry in ClinVar:

NM_017617.5(NOTCH1):c.4015-6G>A

Gene: NOTCH1 (notch receptor 1; minus strand). Cytogenetic location: 9q34.3.
Variant type: single nucleotide variant.
Coding change: c.4015-6G>A on transcript NM_017617.5 (MANE Select); 6 bases into the intron before coding-DNA position 4015, G replaced by A.
Molecular consequence: intron variant.
Genome position (GRCh38, 1-based): chr9:136,505,887, C>T on the plus strand (G>A on the coding strand, the complement: NOTCH1 is on the minus strand). VCF-style: chr9-136505887-C-T. GRCh37 (hg19) VCF-style: chr9-139400339-C-T.
Identifiers: ClinVar variation 1922033 (VCV001922033.6), dbSNP rs1843076919, ClinGen allele CA645543512.

ClinVar aggregate classification (germline): Conflicting classifications of pathogenicity. Review status: criteria provided, conflicting classifications (1 of 4 stars). 2 submissions from 2 submitters: Likely pathogenic (1); Uncertain significance (1). Last evaluated 2026-08-26.

Conditions:
Adams-Oliver syndrome 5 (AOS5). Identifiers: Orphanet 974, MedGen C4014970, MONDO:0014459, OMIM 616028.

Allele frequency attached by ClinVar (database versions not stated): TOPMed below 0.00001.

Submissions (2):

Wendy Chung Laboratory, Boston Children's Hospital
Classification: Likely pathogenic for Adams-Oliver syndrome 5. Last evaluated: 2026-08-26. Review status: criteria provided, single submitter. Criteria: ACMG Guidelines, 2015. Collection method: research. Allele origin: de novo. Inheritance: Sporadic. Affected: yes. Observed: 1 variant allele, 1 heterozygote.
Comment: The c.4015-6G>A variant in NOTCH1 is an intronic variant located adjacent to exon 25 out of 34. The variant is absent from gnomAD v4.1. RNA studies indicate that this variant causes cryptic splicing that results in the addition of 4 bp into exon 25, resulting in a frameshift (PMID: 41176275) that is predicted to cause mRNA nonsense mediated decay. Loss-of-function variants in the NOTCH1 gene are known to be pathogenic (PMID: 26820064, 38778082). The variant is confirmed de novo in at least one individual and has been reported in an unrelated individual with NOTCH1-related disorder (PMID: 41176275). In summary, the variant is likely pathogenic for autosomal dominant Adams-Oliver syndrome 5. ACMG/AMP Criteria applied: PVS1_strong(RNA), PS2, PS4_supporting, PM2_supporting.

Labcorp Genetics (formerly Invitae), Labcorp
Classification: Uncertain significance for Adams-Oliver syndrome 5. Last evaluated: 2023-07-07. Review status: criteria provided, single submitter. Criteria: Invitae Variant Classification Sherloc (09022015). Collection method: clinical testing. Allele origin: germline.
Comment: This sequence change falls in intron 24 of the NOTCH1 gene. It does not directly change the encoded amino acid sequence of the NOTCH1 protein. This variant is not present in population databases (gnomAD no frequency). This variant has not been reported in the literature in individuals affected with NOTCH1-related conditions. ClinVar contains an entry for this variant (Variation ID: 1922033). Algorithms developed to predict the effect of sequence changes on RNA splicing suggest that this variant may create or strengthen a splice site. In summary, the available evidence is currently insufficient to determine the role of this variant in disease. Therefore, it has been classified as a Variant of Uncertain Significance.

Literature cited by the submitters: PubMed 41176275 (cited by Wendy Chung Laboratory, Boston Children's Hospital); PubMed 26820064 (cited by Wendy Chung Laboratory, Boston Children's Hospital); PubMed 38778082 (cited by Wendy Chung Laboratory, Boston Children's Hospital).